The following is an entry in ClinVar:

ClinVar aggregate classification (germline): Likely benign. Review status: criteria provided, multiple submitters, no conflicts (2 of 4 stars). 3 submissions from 3 submitters: Likely benign (2). 1 of the submissions does not count toward it. Last evaluated 2025-11-23.

Conditions:
BBS9-related disorder. Also called: BBS9-related condition.
Bardet-Biedl syndrome (BBS). Identifiers: Orphanet 110, MedGen C0752166, MONDO:0015229.

Allele frequency attached by ClinVar (database versions not stated): ExAC 0.00002; TOPMed 0.00003.
gnomAD v4.1: 30 of 1,613,786 alleles (0.0019%); highest among the groups gnomAD compares: African/African-American, 0.016%; no homozygotes.

Submissions (3):

Labcorp Genetics (formerly Invitae), Labcorp
Classification: Likely benign for Bardet-Biedl syndrome. Last evaluated: 2025-11-23. Review status: criteria provided, single submitter. Criteria: Invitae Variant Classification Sherloc (09022015). Collection method: clinical testing. Allele origin: germline.

Blueprint Genetics
Classification: Likely benign. Last evaluated: 2024-03-05. Review status: criteria provided, single submitter. Criteria: ACMG Guidelines, 2015. Collection method: clinical testing. Allele origin: germline.

PreventionGenetics, part of Exact Sciences
Classification: Likely benign for BBS9-related condition. Last evaluated: 2021-05-10. Review status: no assertion criteria provided. Collection method: clinical testing. Allele origin: germline. Not counted in ClinVar's aggregate classification.
Comment: This variant is classified as likely benign based on ACMG/AMP sequence variant interpretation guidelines (Richards et al. 2015 PMID: 25741868, with internal and published modifications).

NM_198428.3(BBS9):c.2262G>A (p.Ala754=)

Gene: BBS9 (Bardet-Biedl syndrome 9; plus strand). Cytogenetic location: 7p14.3.
Variant type: single nucleotide variant.
Coding change: c.2262G>A on transcript NM_198428.3 (MANE Select); coding-DNA position 2262, G replaced by A.
Protein change: p.Ala754=; no amino-acid change (alanine 754 retained).
Molecular consequence: synonymous variant. On other transcripts: non-coding transcript variant (3), intron variant (1).
Genome position (GRCh38, 1-based): chr7:33,505,609, G>A. VCF-style: chr7-33505609-G-A. GRCh37 (hg19) VCF-style: chr7-33545221-G-A.
Other names: c.2157G>A, p.Ala719= (NM_001033604.2); c.2247G>A, p.Ala749= (NM_001033605.2); c.2262G>A, p.Ala754= (NM_001348036.1, NM_001348041.4, NM_001348043.3 and 1 more transcripts); c.1989G>A, p.Ala663= (NM_001348038.3); c.1884G>A, p.Ala628= (NM_001348039.3); c.2142G>A, p.Ala714= (NM_001348040.3, NM_014451.4); c.2127G>A, p.Ala709= (NM_001348042.3); c.1791G>A, p.Ala597= (NM_001348044.3); and 3 more.
Identifiers: ClinVar variation 1101724 (VCV001101724.12), dbSNP rs751886707, ClinGen allele CA4214641.